The following is an entry in ClinVar:

NM_002907.4(RECQL):c.421A>T (p.Ile141Phe)

Gene: RECQL (RecQ like helicase; minus strand). Cytogenetic location: 12p12.1.
Variant type: single nucleotide variant.
Coding change: c.421A>T on transcript NM_002907.4 (MANE Select); coding-DNA position 421, A replaced by T.
Protein change: p.Ile141Phe; replaces isoleucine 141 with phenylalanine.
Molecular consequence: missense variant.
Genome position (GRCh38, 1-based): chr12:21,486,559, T>A on the plus strand (A>T on the coding strand, the complement: RECQL is on the minus strand). VCF-style: chr12-21486559-T-A. GRCh37 (hg19) VCF-style: chr12-21639493-T-A.
Other names: c.421A>T, p.Ile141Phe (NM_032941.3); short protein forms I141F.
Identifiers: ClinVar variation 1738809 (VCV001738809.3), dbSNP rs755644894, ClinGen allele CA6479079.
Genomic context (GRCh38, chr12:21,486,559, plus strand): 5'-ACATGGTTGCTGAAATTCCTAATTGTTTTAAAACCATTAATTGGTCTTCCATAAGAGAGA[T>A]CAATGGGCAAATGACGAGTGTAAAACCTAAAAGAGAAAAAAAAAAAAATCTACCTTAAAC-3'
Protein context (NP_002898.2, residues 131-151): DGFTLVICPL[Ile141Phe]SLMEDQLMVL

ClinVar aggregate classification (germline): Uncertain significance (1 of 4 stars; one submission).

Allele frequency attached by ClinVar (database versions not stated): gnomAD 0.00001.
gnomAD v4.1: 24 of 1,542,640 alleles (0.0016%); highest among the groups gnomAD compares: South Asian, 0.027%; no homozygotes.

Submission:

Ambry Genetics
Classification: Uncertain significance. Last evaluated: 2024-10-24. Review status: criteria provided, single submitter. Criteria: Ambry Variant Classification Scheme 2023. Collection method: clinical testing. Allele origin: germline.
Comment: The p.I141F variant (also known as c.421A>T), located in coding exon 4 of the RECQL gene, results from an A to T substitution at nucleotide position 421. The isoleucine at codon 141 is replaced by phenylalanine, an amino acid with highly similar properties. This variant was identified in 1/302 breast cancer patients who tested negative for BRCA1/2 mutations and was not detected in 250 controls. This amino acid position is well conserved in available vertebrate species. In addition, this alteration is predicted to be tolerated by in silico analysis. Since supporting evidence is limited at this time, the clinical significance of this alteration remains unclear.

Literature cited by the submitters: PubMed 33342430.